The following is an entry in ClinVar:

NM_031407.7(HUWE1):c.3710G>T (p.Ser1237Ile)

Genes: HUWE1 (HECT, UBA and WWE domain containing E3 ubiquitin protein ligase 1; minus strand), LOC126863263 (BRD4-independent group 4 enhancer GRCh37_chrX:53619238-53620437; plus strand). Cytogenetic location: Xp11.22.
Variant type: single nucleotide variant.
Coding change: c.3710G>T on transcript NM_031407.7 (MANE Select); coding-DNA position 3710, G replaced by T.
Protein change: p.Ser1237Ile; replaces serine 1237 with isoleucine.
Molecular consequence: missense variant.
Genome position (GRCh38, 1-based): chrX:53,593,395, C>A on the plus strand (G>T on the coding strand, the complement: HUWE1 is on the minus strand). VCF-style: chrX-53593395-C-A. GRCh37 (hg19) VCF-style: chrX-53620355-C-A.
Other names: short protein forms S1237I.
Identifiers: ClinVar variation 1314113 (VCV001314113.4), dbSNP rs2148472691, ClinGen allele CA413178049.

ClinVar aggregate classification (germline): Uncertain significance. Review status: criteria provided, multiple submitters, no conflicts (2 of 4 stars). 2 submissions from 2 submitters: Uncertain significance (2). Last evaluated 2024-10-03.

Submissions (2):

Labcorp Genetics (formerly Invitae), Labcorp
Classification: Uncertain significance. Last evaluated: 2024-10-03. Review status: criteria provided, single submitter. Criteria: Invitae Variant Classification Sherloc (09022015). Collection method: clinical testing. Allele origin: germline.
Comment: This sequence change replaces serine, which is neutral and polar, with isoleucine, which is neutral and non-polar, at codon 1237 of the HUWE1 protein (p.Ser1237Ile). This variant is not present in population databases (gnomAD no frequency). This variant has not been reported in the literature in individuals affected with HUWE1-related conditions. ClinVar contains an entry for this variant (Variation ID: 1314113). Invitae Evidence Modeling of protein sequence and biophysical properties (such as structural, functional, and spatial information, amino acid conservation, physicochemical variation, residue mobility, and thermodynamic stability) has been performed for this missense variant. However, the output from this modeling did not meet the statistical confidence thresholds required to predict the impact of this variant on HUWE1 protein function. In summary, the available evidence is currently insufficient to determine the role of this variant in disease. Therefore, it has been classified as a Variant of Uncertain Significance.

GeneDx
Classification: Uncertain significance. Last evaluated: 2021-02-09. Review status: criteria provided, single submitter. Criteria: GeneDx Variant Classification Process June 2021. Collection method: clinical testing. Allele origin: germline. Affected: yes.
Comment: Not observed in large population cohorts (Lek et al., 2016); In silico analysis supports that this missense variant has a deleterious effect on protein structure/function; Has not been previously published as pathogenic or benign to our knowledge